The following is an entry in ClinVar:

ClinVar aggregate classification (germline): Likely pathogenic (1 of 4 stars; one submission).

Conditions:
Anemia, congenital dyserythropoietic, type 1a (CDAN1A). Also called: CDAN1-Related Congenital Dyserythropoietic Anemia; DYSERYTHROPOIETIC ANEMIA, CONGENITAL, TYPE Ia. Identifiers: MedGen C5574667, MONDO:0009135, OMIM 224120.

gnomAD v4.1: 5 of 1,613,968 alleles (0.00031%); highest among the groups gnomAD compares: African/African-American, 0.0013%; no homozygotes.

Submission:

Juno Genomics, Hangzhou Juno Genomics, Inc
Classification: Likely pathogenic for Anemia, congenital dyserythropoietic, type 1a. Review status: criteria provided, single submitter. Criteria: ACMG Guidelines, 2015. Collection method: clinical testing. Allele origin: germline.
Comment: Null variant in a gene where loss of function (LOF) is a known mechanism of disease.;Absent from controls (or at extremely low frequency if recessive) in Genome Aggregation Database.

NM_138477.4(CDAN1):c.1228C>T (p.Arg410Ter)

Gene: CDAN1 (codanin 1; minus strand). Cytogenetic location: 15q15.2.
Variant type: single nucleotide variant.
Coding change: c.1228C>T on transcript NM_138477.4 (MANE Select); coding-DNA position 1228, C replaced by T.
Protein change: p.Arg410Ter; replaces arginine 410 with a stop codon.
Molecular consequence: nonsense.
Genome position (GRCh38, 1-based): chr15:42,734,255, G>A on the plus strand (C>T on the coding strand, the complement: CDAN1 is on the minus strand). VCF-style: chr15-42734255-G-A. GRCh37 (hg19) VCF-style: chr15-43026453-G-A.
Other names: short protein forms R410*.
Identifiers: ClinVar variation 5005405 (VCV005005405.2).